The following is an entry in ClinVar:

NM_000152.5(GAA):c.35T>C (p.Leu12Pro)

Gene: GAA (alpha glucosidase; plus strand). Cytogenetic location: 17q25.3.
Variant type: single nucleotide variant.
Coding change: c.35T>C on transcript NM_000152.5 (MANE Select); coding-DNA position 35, T replaced by C.
Protein change: p.Leu12Pro; replaces leucine 12 with proline.
Molecular consequence: missense variant.
Genome position (GRCh38, 1-based): chr17:80,104,621, T>C. VCF-style: chr17-80104621-T-C. GRCh37 (hg19) VCF-style: chr17-78078420-T-C.
Other names: p.Leu12Pro; c.35T>C, p.Leu12Pro (NM_001079803.3, NM_001079804.3, NM_001406741.1 and 1 more transcripts); short protein forms L12P.
Identifiers: ClinVar variation 4542222 (VCV004542222.1).

ClinVar aggregate classification (germline): Uncertain significance (1 of 4 stars; one submission).

gnomAD v4.1: 2 of 1,612,832 alleles (0.00012%); highest among the groups gnomAD compares: Admixed American, 0.0033%; no homozygotes.

Submission:

Mayo Clinic Laboratories, Mayo Clinic
Classification: Uncertain significance. Last evaluated: 2025-02-19. Review status: criteria provided, single submitter. Criteria: ACMG Guidelines, 2015. Collection method: clinical testing. Allele origin: germline. Observed: 1 variant allele.
Comment: PM2_supporting